The following is an entry in ClinVar:

ClinVar aggregate classification (germline): Uncertain significance. Review status: criteria provided, multiple submitters, no conflicts (2 of 4 stars). 2 submissions from 2 submitters: Uncertain significance (2). Last evaluated 2025-07-07.

Allele frequency attached by ClinVar (database versions not stated): ExAC 0.00001; gnomAD exomes 0.00001 and 0.00002; gnomAD 0.00002 and 0.00003; TOPMed 0.00002; ESP Exome Variant Server 0.00008.
gnomAD v4.1: 7 of 1,614,106 alleles (0.00043%); highest among the groups gnomAD compares: East Asian, 0.0067%; no homozygotes.

Submissions (2):

Labcorp Genetics (formerly Invitae), Labcorp
Classification: Uncertain significance. Last evaluated: 2025-07-07. Review status: criteria provided, single submitter. Criteria: Invitae Variant Classification Sherloc (09022015). Collection method: clinical testing. Allele origin: germline.
Comment: This sequence change replaces methionine, which is neutral and non-polar, with threonine, which is neutral and polar, at codon 274 of the KCNJ13 protein (p.Met274Thr). This variant is present in population databases (rs375157738, gnomAD 0.003%). This variant has not been reported in the literature in individuals affected with KCNJ13-related conditions. ClinVar contains an entry for this variant (Variation ID: 1425257). Invitae Evidence Modeling of protein sequence and biophysical properties (such as structural, functional, and spatial information, amino acid conservation, physicochemical variation, residue mobility, and thermodynamic stability) indicates that this missense variant is not expected to disrupt KCNJ13 protein function with a negative predictive value of 80%. In summary, the available evidence is currently insufficient to determine the role of this variant in disease. Therefore, it has been classified as a Variant of Uncertain Significance.

Blueprint Genetics
Classification: Uncertain significance. Last evaluated: 2022-12-01. Review status: criteria provided, single submitter. Criteria: ACMG Guidelines, 2015. Collection method: clinical testing. Allele origin: germline.

NM_002242.4(KCNJ13):c.821T>C (p.Met274Thr)

Genes: GIGYF2 (GRB10 interacting GYF protein 2; plus strand), KCNJ13 (potassium inwardly rectifying channel subfamily J member 13; minus strand). Cytogenetic location: 2q37.1.
Variant type: single nucleotide variant.
Coding change: c.821T>C on transcript NM_002242.4 (MANE Select); coding-DNA position 821, T replaced by C.
Protein change: p.Met274Thr; replaces methionine 274 with threonine.
Molecular consequence: missense variant. On other transcripts: 3 prime UTR variant (1), intron variant (4).
Genome position (GRCh38, 1-based): chr2:232,768,453, A>G on the plus strand (T>C on the coding strand, the complement: KCNJ13 is on the minus strand). VCF-style: chr2-232768453-A-G. GRCh37 (hg19) VCF-style: chr2-233633163-A-G.
Other names: c.*300T>C (NM_001172416.1); c.581T>C, p.Met194Thr (NM_001172417.1); c.532+7017A>G (NM_001103146.3, NM_015575.4, NM_001103147.2 and 1 more transcripts); short protein forms M194T, M274T.
Identifiers: ClinVar variation 1425257 (VCV001425257.9), dbSNP rs375157738, ClinGen allele CA2169981.